The following is an entry in ClinVar:

ClinVar aggregate classification (germline): Uncertain significance (1 of 4 stars; one submission).

Conditions:
Hereditary cancer-predisposing syndrome. Also called: Neoplastic Syndromes, Hereditary; Tumor predisposition; Hereditary neoplastic syndrome; Hereditary Cancer Syndrome. Identifiers: Orphanet 140162, MedGen C0027672, MeSH D009386, MONDO:0015356.

Submission:

Ambry Genetics
Classification: Uncertain significance for Hereditary cancer-predisposing syndrome. Last evaluated: 2026-07-07. Review status: criteria provided, single submitter. Criteria: Ambry Variant Classification Scheme 2023. Collection method: clinical testing. Allele origin: germline.
Comment: The p.F291L variant (also known as c.871T>C), located in coding exon 3 of the PHOX2B gene, results from a T to C substitution at nucleotide position 871. The phenylalanine at codon 291 is replaced by leucine, an amino acid with highly similar properties. This amino acid position is conserved. In addition, the in silico prediction for this alteration is inconclusive. Based on the available evidence, the clinical significance of this variant remains unclear.

NM_003924.4(PHOX2B):c.871T>C (p.Phe291Leu)

Gene: PHOX2B (paired like homeobox 2B; minus strand). Cytogenetic location: 4p13.
Variant type: single nucleotide variant.
Coding change: c.871T>C on transcript NM_003924.4 (MANE Select); coding-DNA position 871, T replaced by C.
Protein change: p.Phe291Leu; replaces phenylalanine 291 with leucine.
Molecular consequence: missense variant.
Genome position (GRCh38, 1-based): chr4:41,745,881, A>G on the plus strand (T>C on the coding strand, the complement: PHOX2B is on the minus strand). VCF-style: chr4-41745881-A-G. GRCh37 (hg19) VCF-style: chr4-41747898-A-G.
Other names: short protein forms F291L.
Identifiers: ClinVar variation 5026580 (VCV005026580.1).